The following is an entry in ClinVar:

ClinVar aggregate classification (germline): Likely benign. Review status: criteria provided, multiple submitters, no conflicts (2 of 4 stars). 3 submissions from 3 submitters: Likely benign (3). Last evaluated 2026-02-01.

Conditions:
Inborn genetic diseases. Identifiers: MedGen C0950123, MeSH D030342.

gnomAD v4.1: 31 of 1,613,960 alleles (0.0019%); highest among the groups gnomAD compares: African/African-American, 0.024%; no homozygotes.

Submissions (3):

CeGaT Center for Human Genetics Tuebingen
Classification: Likely benign. Last evaluated: 2026-02-01. Review status: criteria provided, single submitter. Criteria: CeGaT Center For Human Genetics Tuebingen Variant Classification Criteria Version 2. Collection method: clinical testing. Allele origin: germline. Affected: yes. Observed: 2 variant alleles.
Comment: ZBTB18: BP4, BP7

Labcorp Genetics (formerly Invitae), Labcorp
Classification: Likely benign. Last evaluated: 2025-09-29. Review status: criteria provided, single submitter. Criteria: Invitae Variant Classification Sherloc (09022015). Collection method: clinical testing. Allele origin: germline.

Ambry Genetics
Classification: Likely benign for Inborn genetic diseases. Last evaluated: 2024-03-25. Review status: criteria provided, single submitter. Criteria: Ambry Variant Classification Scheme 2023. Collection method: clinical testing. Allele origin: germline.

NM_205768.3(ZBTB18):c.1425C>T (p.His475=)

Gene: ZBTB18 (zinc finger and BTB domain containing 18; plus strand). Cytogenetic location: 1q44.
Variant type: single nucleotide variant.
Coding change: c.1425C>T on transcript NM_205768.3 (MANE Select); coding-DNA position 1425, C replaced by T.
Protein change: p.His475=; no amino-acid change (histidine 475 retained).
Molecular consequence: synonymous variant. On other transcripts: 3 prime UTR variant (1).
Genome position (GRCh38, 1-based): chr1:244,055,199, C>T. VCF-style: chr1-244055199-C-T. GRCh37 (hg19) VCF-style: chr1-244218501-C-T.
Other names: c.1398C>T, p.His466= (NM_001278196.2, NM_006352.5); c.*602C>T (NM_001421566.1).
Identifiers: ClinVar variation 3333859 (VCV003333859.15).